The following is an entry in ClinVar:

ClinVar aggregate classification (germline): Uncertain significance (1 of 4 stars; one submission).

Allele frequency attached by ClinVar (database versions not stated): TOPMed 0.00001.

Submission:

Labcorp Genetics (formerly Invitae), Labcorp
Classification: Uncertain significance. Last evaluated: 2024-09-23. Review status: criteria provided, single submitter. Criteria: Invitae Variant Classification Sherloc (09022015). Collection method: clinical testing. Allele origin: germline.
Comment: This sequence change replaces alanine, which is neutral and non-polar, with threonine, which is neutral and polar, at codon 73 of the HMX1 protein (p.Ala73Thr). This variant is not present in population databases (gnomAD no frequency). This variant has not been reported in the literature in individuals affected with HMX1-related conditions. ClinVar contains an entry for this variant (Variation ID: 1357510). Experimental studies and prediction algorithms are not available or were not evaluated, and the functional significance of this variant is currently unknown. In summary, the available evidence is currently insufficient to determine the role of this variant in disease. Therefore, it has been classified as a Variant of Uncertain Significance.

NM_018942.3(HMX1):c.217G>A (p.Ala73Thr)

Gene: HMX1 (H6 family homeobox 1; minus strand). Cytogenetic location: 4p16.1.
Variant type: single nucleotide variant.
Coding change: c.217G>A on transcript NM_018942.3 (MANE Select); coding-DNA position 217, G replaced by A.
Protein change: p.Ala73Thr; replaces alanine 73 with threonine.
Molecular consequence: missense variant.
Genome position (GRCh38, 1-based): chr4:8,871,398, C>T on the plus strand (G>A on the coding strand, the complement: HMX1 is on the minus strand). VCF-style: chr4-8871398-C-T. GRCh37 (hg19) VCF-style: chr4-8873124-C-T.
Other names: c.217G>A, p.Ala73Thr (NM_001306142.2); short protein forms A73T.
Identifiers: ClinVar variation 1357510 (VCV001357510.8), dbSNP rs768243320, ClinGen allele CA2854319.